The following is an entry in ClinVar:

NM_005918.4(MDH2):c.885+5G>A

Gene: MDH2 (malate dehydrogenase 2; plus strand). Cytogenetic location: 7q11.23.
Variant type: single nucleotide variant.
Coding change: c.885+5G>A on transcript NM_005918.4 (MANE Select); 5 bases into the intron after coding-DNA position 885, G replaced by A.
Molecular consequence: intron variant.
Genome position (GRCh38, 1-based): chr7:76,064,958, G>A. VCF-style: chr7-76064958-G-A. GRCh37 (hg19) VCF-style: chr7-75694276-G-A.
Other names: IVS8, G-A, +5; c.759+5G>A (NM_001282403.2); c.564+5G>A (NM_001282404.2).
Identifiers: ClinVar variation 1475511 (VCV001475511.5), dbSNP rs552544806, ClinGen allele CA4305739.

ClinVar aggregate classification (germline): Uncertain significance. Review status: criteria provided, single submitter (1 of 4 stars). 2 submissions from 2 submitters: Uncertain significance (1). 1 of the submissions does not count toward it. Last evaluated 2023-08-04.

Conditions:
Developmental and epileptic encephalopathy, 51 (DEE51). Also called: Epileptic encephalopathy, early infantile, 51. Identifiers: MedGen C4479208, MONDO:0015025, OMIM 617339.

Allele frequency attached by ClinVar (database versions not stated): TOPMed below 0.00001; gnomAD 0.00001; gnomAD exomes 0.00001 and 0.00002; ExAC 0.00002.
gnomAD v4.1: 18 of 1,613,944 alleles (0.0011%); highest among the groups gnomAD compares: South Asian, 0.0099%; no homozygotes.

Submissions (2):

Labcorp Genetics (formerly Invitae), Labcorp
Classification: Uncertain significance. Last evaluated: 2023-08-04. Review status: criteria provided, single submitter. Criteria: Invitae Variant Classification Sherloc (09022015). Collection method: clinical testing. Allele origin: germline.
Comment: This sequence change falls in intron 8 of the MDH2 gene. It does not directly change the encoded amino acid sequence of the MDH2 protein. It affects a nucleotide within the consensus splice site. This variant is present in population databases (rs552544806, gnomAD 0.01%). This variant has been observed in individual(s) with clinical features of MDH2-related conditions (Invitae). ClinVar contains an entry for this variant (Variation ID: 1475511). Variants that disrupt the consensus splice site are a relatively common cause of aberrant splicing (PMID: 17576681, 9536098). Algorithms developed to predict the effect of sequence changes on RNA splicing suggest that this variant is not likely to affect RNA splicing. In summary, the available evidence is currently insufficient to determine the role of this variant in disease. Therefore, it has been classified as a Variant of Uncertain Significance.

OMIM
Classification: Pathogenic for DEVELOPMENTAL AND EPILEPTIC ENCEPHALOPATHY 51. Last evaluated: 2024-02-19. Review status: no assertion criteria provided. Collection method: literature only. Allele origin: germline. Not counted in ClinVar's aggregate classification.

Literature cited by the submitters: PubMed 17576681 (cited by Labcorp Genetics (formerly Invitae), Labcorp); PubMed 9536098 (cited by Labcorp Genetics (formerly Invitae), Labcorp); PubMed 36420423 (cited by OMIM).